The following is an entry in ClinVar:

NM_007055.4(POLR3A):c.2809G>A (p.Glu937Lys)

Gene: POLR3A (RNA polymerase III subunit A; minus strand). Cytogenetic location: 10q22.3.
Variant type: single nucleotide variant.
Coding change: c.2809G>A on transcript NM_007055.4 (MANE Select); coding-DNA position 2809, G replaced by A.
Protein change: p.Glu937Lys; replaces glutamic acid 937 with lysine.
Molecular consequence: missense variant.
Genome position (GRCh38, 1-based): chr10:77,991,146, C>T on the plus strand (G>A on the coding strand, the complement: POLR3A is on the minus strand). VCF-style: chr10-77991146-C-T. GRCh37 (hg19) VCF-style: chr10-79750904-C-T.
Other names: short protein forms E937K.
Identifiers: ClinVar variation 493078 (VCV000493078.43), dbSNP rs1554838298, ClinGen allele CA377333410.

ClinVar aggregate classification (germline): Likely pathogenic (1 of 4 stars; one submission).

Submission:

CeGaT Center for Human Genetics Tuebingen
Classification: Likely pathogenic. Last evaluated: 2023-12-01. Review status: criteria provided, single submitter. Criteria: CeGaT Center For Human Genetics Tuebingen Variant Classification Criteria Version 2. Collection method: clinical testing. Allele origin: germline. Affected: yes. Observed: 1 variant allele.
Comment: POLR3A: PM2, PM3, PM5, PP4:Moderate, BP4